The following is an entry in ClinVar:

ClinVar aggregate classification (germline): Uncertain significance. Review status: criteria provided, multiple submitters, no conflicts (2 of 4 stars). 2 submissions from 2 submitters: Uncertain significance (2). Last evaluated 2025-09-05.

Conditions:
Inborn genetic diseases. Identifiers: MedGen C0950123, MeSH D030342.

Allele frequency attached by ClinVar (database versions not stated): gnomAD exomes below 0.00001; gnomAD 0.00001; TOPMed 0.00002.
gnomAD v4.1: 6 of 1,611,520 alleles (0.00037%); highest among the groups gnomAD compares: Non-Finnish European, 0.00051%; no homozygotes.

Submissions (2):

Labcorp Genetics (formerly Invitae), Labcorp
Classification: Uncertain significance. Last evaluated: 2025-09-05. Review status: criteria provided, single submitter. Criteria: Invitae Variant Classification Sherloc (09022015). Collection method: clinical testing. Allele origin: germline.
Comment: This sequence change replaces serine, which is neutral and polar, with phenylalanine, which is neutral and non-polar, at codon 235 of the ORC4 protein (p.Ser235Phe). This variant is not present in population databases (gnomAD no frequency). This variant has not been reported in the literature in individuals affected with ORC4-related conditions. ClinVar contains an entry for this variant (Variation ID: 3206963). Invitae Evidence Modeling of protein sequence and biophysical properties (such as structural, functional, and spatial information, amino acid conservation, physicochemical variation, residue mobility, and thermodynamic stability) indicates that this missense variant is not expected to disrupt ORC4 protein function with a negative predictive value of 80%. In summary, the available evidence is currently insufficient to determine the role of this variant in disease. Therefore, it has been classified as a Variant of Uncertain Significance.

Ambry Genetics
Classification: Uncertain significance for Inborn genetic diseases. Last evaluated: 2023-12-08. Review status: criteria provided, single submitter. Criteria: Ambry Variant Classification Scheme 2023. Collection method: clinical testing. Allele origin: germline.

NM_181741.4(ORC4):c.704C>T (p.Ser235Phe)

Gene: ORC4 (origin recognition complex subunit 4; minus strand). Cytogenetic location: 2q23.1.
Variant type: single nucleotide variant.
Coding change: c.704C>T on transcript NM_181741.4 (MANE Select); coding-DNA position 704, C replaced by T.
Protein change: p.Ser235Phe; replaces serine 235 with phenylalanine.
Molecular consequence: missense variant.
Genome position (GRCh38, 1-based): chr2:147,948,109, G>A on the plus strand (C>T on the coding strand, the complement: ORC4 is on the minus strand). VCF-style: chr2-147948109-G-A. GRCh37 (hg19) VCF-style: chr2-148705678-G-A.
Other names: c.704C>T, p.Ser235Phe (NM_001190879.3, NM_001374270.1, NM_002552.5 and 1 more transcripts); c.452C>T, p.Ser151Phe (NM_001190881.3, NM_001374272.1); c.482C>T, p.Ser161Phe (NM_001190882.3); short protein forms S151F, S161F, S235F.
Identifiers: ClinVar variation 3206963 (VCV003206963.2), dbSNP rs1423220954, ClinGen allele CA348712846.